The following is an entry in ClinVar:

NM_031263.4(HNRNPK):c.1294G>T (p.Asp432Tyr)

Gene: HNRNPK (heterogeneous nuclear ribonucleoprotein K; minus strand). Cytogenetic location: 9q21.32.
Variant type: single nucleotide variant.
Coding change: c.1294G>T on transcript NM_031263.4 (MANE Select); coding-DNA position 1294, G replaced by T.
Protein change: p.Asp432Tyr; replaces aspartic acid 432 with tyrosine.
Molecular consequence: missense variant.
Genome position (GRCh38, 1-based): chr9:83,970,229, C>A on the plus strand (G>T on the coding strand, the complement: HNRNPK is on the minus strand). VCF-style: chr9-83970229-C-A. GRCh37 (hg19) VCF-style: chr9-86585144-C-A.
Other names: c.1222G>T, p.Asp408Tyr (NM_001318186.2, NM_001318187.2); c.1294G>T, p.Asp432Tyr (NM_001318188.2, NM_002140.5, NM_031262.4); short protein forms D408Y, D432Y.
Identifiers: ClinVar variation 4085947 (VCV004085947.8).

ClinVar aggregate classification (germline): Uncertain significance (1 of 4 stars; one submission).

Submission:

CeGaT Center for Human Genetics Tuebingen
Classification: Uncertain significance. Last evaluated: 2025-08-01. Review status: criteria provided, single submitter. Criteria: CeGaT Center For Human Genetics Tuebingen Variant Classification Criteria Version 2. Collection method: clinical testing. Allele origin: germline. Affected: yes. Observed: 1 variant allele.
Comment: HNRNPK: PM2, PP2